The following is an entry in ClinVar:

NM_138927.4(SON):c.5538G>C (p.Arg1846Ser)

Gene: SON (SON DNA and RNA binding protein; plus strand). Cytogenetic location: 21q22.11.
Variant type: single nucleotide variant.
Coding change: c.5538G>C on transcript NM_138927.4 (MANE Select); coding-DNA position 5538, G replaced by C.
Protein change: p.Arg1846Ser; replaces arginine 1846 with serine.
Molecular consequence: missense variant. On other transcripts: non-coding transcript variant (1), intron variant (1).
Genome position (GRCh38, 1-based): chr21:33,554,769, G>C. VCF-style: chr21-33554769-G-C. GRCh37 (hg19) VCF-style: chr21-34927075-G-C.
Other names: c.5538G>C, p.Arg1846Ser (NM_001291411.2, NM_032195.3); c.245-2387G>C (NM_001291412.3); short protein forms R1846S.
Identifiers: ClinVar variation 3252201 (VCV003252201.2), dbSNP rs1438317187.

ClinVar aggregate classification (germline): Uncertain significance (1 of 4 stars; one submission).

Submission:

GeneDx
Classification: Uncertain significance. Last evaluated: 2024-10-01. Review status: criteria provided, single submitter. Criteria: GeneDx Variant Classification Process June 2021. Collection method: clinical testing. Allele origin: germline.
Comment: Not observed at significant frequency in large population cohorts (gnomAD); In silico analysis supports that this missense variant has a deleterious effect on protein structure/function; Has not been previously published as pathogenic or benign to our knowledge